The following is an entry in ClinVar:

NM_198320.5(CPM):c.752G>C (p.Gly251Ala)

Gene: CPM (carboxypeptidase M; minus strand). Cytogenetic location: 12q15.
Variant type: single nucleotide variant.
Coding change: c.752G>C on transcript NM_198320.5 (MANE Select); coding-DNA position 752, G replaced by C.
Protein change: p.Gly251Ala; replaces glycine 251 with alanine.
Molecular consequence: missense variant. On other transcripts: non-coding transcript variant (2).
Genome position (GRCh38, 1-based): chr12:68,869,360, C>G on the plus strand (G>C on the coding strand, the complement: CPM is on the minus strand). VCF-style: chr12-68869360-C-G. GRCh37 (hg19) VCF-style: chr12-69263140-C-G.
Other names: c.752G>C, p.Gly251Ala (NM_001413391.1, NM_001413393.1, NM_001413394.1 and 6 more transcripts); c.629G>C, p.Gly210Ala (NM_001413392.1); c.509G>C, p.Gly170Ala (NM_001413395.1, NM_001413396.1); c.389G>C, p.Gly130Ala (NM_001413397.1, NM_001413398.1, NM_001413399.1 and 2 more transcripts); c.185G>C, p.Gly62Ala (NM_001413403.1, NM_001413404.1); c.788G>C, p.Gly263Ala (NM_001413387.1); short protein forms G130A, G170A, G210A, G251A, G263A, G62A.
Identifiers: ClinVar variation 3338211 (VCV003338211.2).

ClinVar aggregate classification (germline): Uncertain significance (0 of 4 stars; one submission).

Conditions:
Autism (AUTS). Also called: Autistic disorder of childhood onset; Autistic disorder. Identifiers: MedGen C0004352, MeSH D001321, MONDO:0005260, OMIM 209850, HP:0000717.

gnomAD v4.1: 3 of 1,613,824 alleles (0.00019%); highest among the groups gnomAD compares: South Asian, 0.0011%; no homozygotes.

Submission:

Centre for Addiction & Mental Health
Classification: Uncertain significance for Autism. Review status: no assertion criteria provided. Collection method: research. Allele origin: biparental. Affected: yes. Observed: 1 homozygote. Segregation with disease observed.
Comment: Gene not previously associated with disease; independent supportng evidence needed